The following is an entry in ClinVar:

NM_022835.3(PLEKHG2):c.1429C>T (p.Arg477Ter)

Gene: PLEKHG2 (pleckstrin homology and RhoGEF domain containing G2; plus strand). Cytogenetic location: 19q13.2.
Variant type: single nucleotide variant.
Coding change: c.1429C>T on transcript NM_022835.3 (MANE Select); coding-DNA position 1429, C replaced by T.
Protein change: p.Arg477Ter; replaces arginine 477 with a stop codon.
Molecular consequence: nonsense.
Genome position (GRCh38, 1-based): chr19:39,420,978, C>T. VCF-style: chr19-39420978-C-T. GRCh37 (hg19) VCF-style: chr19-39911618-C-T.
Other names: c.1252C>T, p.Arg418Ter (NM_001351693.2); c.1429C>T, p.Arg477Ter (NM_001351694.2); short protein forms R477*, R418*.
Identifiers: ClinVar variation 1996798 (VCV001996798.4), dbSNP rs1303946988, ClinGen allele CA405793585.

ClinVar aggregate classification (germline): Uncertain significance (1 of 4 stars; one submission).

Allele frequency attached by ClinVar (database versions not stated): gnomAD 0.00001; TOPMed 0.00001.
gnomAD v4.1: 3 of 1,613,918 alleles (0.00019%); highest among the groups gnomAD compares: African/African-American, 0.0013%; no homozygotes.

Submission:

Labcorp Genetics (formerly Invitae), Labcorp
Classification: Uncertain significance. Last evaluated: 2025-09-15. Review status: criteria provided, single submitter. Criteria: Invitae Variant Classification Sherloc (09022015). Collection method: clinical testing. Allele origin: germline.
Comment: This sequence change creates a premature translational stop signal (p.Arg477*) in the PLEKHG2 gene. It is expected to result in an absent or disrupted protein product. However, the current clinical and genetic evidence is not sufficient to establish whether loss-of-function variants in PLEKHG2 cause disease. This variant is not present in population databases (gnomAD no frequency). This variant has not been reported in the literature in individuals affected with PLEKHG2-related conditions. ClinVar contains an entry for this variant (Variation ID: 1996798). Algorithms developed to predict the effect of sequence changes on RNA splicing suggest that this variant may disrupt the consensus splice site. In summary, the available evidence is currently insufficient to determine the role of this variant in disease. Therefore, it has been classified as a Variant of Uncertain Significance.